The following is an entry in ClinVar:

NM_004329.3(BMPR1A):c.1404A>T (p.Glu468Asp)

Gene: BMPR1A (bone morphogenetic protein receptor type 1A; plus strand). Cytogenetic location: 10q23.2.
Variant type: single nucleotide variant.
Coding change: c.1404A>T on transcript NM_004329.3 (MANE Select); coding-DNA position 1404, A replaced by T.
Protein change: p.Glu468Asp; replaces glutamic acid 468 with aspartic acid.
Molecular consequence: missense variant.
Genome position (GRCh38, 1-based): chr10:86,923,437, A>T. VCF-style: chr10-86923437-A-T. GRCh37 (hg19) VCF-style: chr10-88683194-A-T.
Other names: short protein forms E468D.
Identifiers: ClinVar variation 934260 (VCV000934260.10), dbSNP rs1843695825, ClinGen allele CA377462934.

ClinVar aggregate classification (germline): Uncertain significance (1 of 4 stars; one submission).

Conditions:
Juvenile polyposis syndrome (JPS). Identifiers: Orphanet 2929, MedGen C0345893, MONDO:0017380, OMIM 174900.

Allele frequency attached by ClinVar (database versions not stated): gnomAD exomes below 0.00001.
gnomAD v4.1: 1 of 1,614,226 alleles (0.000062%); highest among the groups gnomAD compares: Non-Finnish European, 0.000085%; no homozygotes.

Submission:

Labcorp Genetics (formerly Invitae), Labcorp
Classification: Uncertain significance for Juvenile polyposis syndrome. Last evaluated: 2024-09-18. Review status: criteria provided, single submitter. Criteria: Invitae Variant Classification Sherloc (09022015). Collection method: clinical testing. Allele origin: germline.
Comment: This sequence change replaces glutamic acid, which is acidic and polar, with aspartic acid, which is acidic and polar, at codon 468 of the BMPR1A protein (p.Glu468Asp). This variant is not present in population databases (gnomAD no frequency). This variant has not been reported in the literature in individuals affected with BMPR1A-related conditions. ClinVar contains an entry for this variant (Variation ID: 934260). Invitae Evidence Modeling of protein sequence and biophysical properties (such as structural, functional, and spatial information, amino acid conservation, physicochemical variation, residue mobility, and thermodynamic stability) indicates that this missense variant is not expected to disrupt BMPR1A protein function with a negative predictive value of 80%. In summary, the available evidence is currently insufficient to determine the role of this variant in disease. Therefore, it has been classified as a Variant of Uncertain Significance.